The following is an entry in ClinVar:

NM_199420.4(POLQ):c.4193T>G (p.Met1398Arg)

Gene: POLQ (DNA polymerase theta; minus strand). Cytogenetic location: 3q13.33.
Variant type: single nucleotide variant.
Coding change: c.4193T>G on transcript NM_199420.4 (MANE Select); coding-DNA position 4193, T replaced by G.
Protein change: p.Met1398Arg; replaces methionine 1398 with arginine.
Molecular consequence: missense variant.
Genome position (GRCh38, 1-based): chr3:121,488,738, A>C on the plus strand (T>G on the coding strand, the complement: POLQ is on the minus strand). VCF-style: chr3-121488738-A-C. GRCh37 (hg19) VCF-style: chr3-121207585-A-C.
Other names: short protein forms M1398R.
Identifiers: ClinVar variation 2625821 (VCV002625821.2), dbSNP rs199558428, ClinGen allele CA354095823.
Genomic context (GRCh38, chr3:121,488,738, plus strand): 5'-TGGAAAATCGGGCTTTCTGGAGTCAGGATATCAACCCCATGTGAATCACTGCTTTGTTTC[A>C]TAGTACCTACAGTCTTAAGGTCCAAATGATCTATCTTAGTCGCTCCTAGAGGGTGCTGTT-3'
Protein context (NP_955452.3, residues 1388-1408): DHLDLKTVGT[Met1398Arg]KQSSDSHGVD

ClinVar aggregate classification (germline): Uncertain significance (1 of 4 stars; one submission).

Submission:

Ambry Genetics
Classification: Uncertain significance. Last evaluated: 2023-06-30. Review status: criteria provided, single submitter. Criteria: Ambry Variant Classification Scheme 2023. Collection method: clinical testing. Allele origin: germline.
Comment: The p.M1398R variant (also known as c.4193T>G), located in coding exon 16 of the POLQ gene, results from a T to G substitution at nucleotide position 4193. The methionine at codon 1398 is replaced by arginine, an amino acid with similar properties. This amino acid position is conserved. In addition, this alteration is predicted to be tolerated by in silico analysis. Since supporting evidence is limited at this time, the clinical significance of this alteration remains unclear.